The following is an entry in ClinVar:

NM_006147.4(IRF6):c.754T>G (p.Phe252Val)

Gene: IRF6 (interferon regulatory factor 6; minus strand). Cytogenetic location: 1q32.2.
Variant type: single nucleotide variant.
Coding change: c.754T>G on transcript NM_006147.4 (MANE Select); coding-DNA position 754, T replaced by G.
Protein change: p.Phe252Val; replaces phenylalanine 252 with valine.
Molecular consequence: missense variant.
Genome position (GRCh38, 1-based): chr1:209,790,801, A>C on the plus strand (T>G on the coding strand, the complement: IRF6 is on the minus strand). VCF-style: chr1-209790801-A-C. GRCh37 (hg19) VCF-style: chr1-209964146-A-C.
Other names: c.469T>G, p.Phe157Val (NM_001206696.2); short protein forms F157V, F252V.
Identifiers: ClinVar variation 1018738 (VCV001018738.10), dbSNP rs2077864661, ClinGen allele CA344577504.

ClinVar aggregate classification (germline): Uncertain significance (1 of 4 stars; one submission).

Conditions:
Orofacial cleft 6, susceptibility to (OFC6). Also called: CLEFT LIP WITH OR WITHOUT CLEFT PALATE, NONSYNDROMIC, 6. Identifiers: MedGen C1837213, MONDO:0012141, OMIM 608864.
Popliteal pterygium syndrome (PPS). Identifiers: Orphanet 294963, MedGen C0265259, MONDO:0017435.
Van der Woude syndrome. Identifiers: Orphanet 888, MedGen C0175697, MONDO:0019508.

Submission:

Labcorp Genetics (formerly Invitae), Labcorp
Classification: Uncertain significance for Orofacial cleft 6, susceptibility to; Van der Woude syndrome; Popliteal pterygium syndrome. Last evaluated: 2020-09-19. Review status: criteria provided, single submitter. Criteria: Invitae Variant Classification Sherloc (09022015). Collection method: clinical testing. Allele origin: germline.
Comment: This variant has not been reported in the literature in individuals with IRF6-related conditions. This variant is not present in population databases (ExAC no frequency). This sequence change replaces phenylalanine with valine at codon 252 of the IRF6 protein (p.Phe252Val). The phenylalanine residue is highly conserved and there is a small physicochemical difference between phenylalanine and valine. In summary, the available evidence is currently insufficient to determine the role of this variant in disease. Therefore, it has been classified as a Variant of Uncertain Significance. Advanced modeling of protein sequence and biophysical properties (such as structural, functional, and spatial information, amino acid conservation, physicochemical variation, residue mobility, and thermodynamic stability) performed at Invitae indicates that this missense variant is not expected to disrupt IRF6 protein function.